The following is an entry in ClinVar:

ClinVar aggregate classification (germline): Likely benign. Review status: criteria provided, single submitter (1 of 4 stars). 2 submissions from 2 submitters: Likely benign (1). 1 of the submissions does not count toward it. Last evaluated 2024-09-27.

Conditions:
PLEKHG5-related disorder. Also called: PLEKHG5-related condition.
Neuronopathy, distal hereditary motor, autosomal recessive 4. Also called: Autosomal recessive lower motor neuron disease with childhood onset; NEUROPATHY, DISTAL HEREDITARY MOTOR, AUTOSOMAL RECESSIVE 4. Identifiers: Orphanet 206580, MedGen C1970211, MONDO:0012608, OMIM 611067.
Charcot-Marie-Tooth disease recessive intermediate C. Also called: CHARCOT-MARIE-TOOTH NEUROPATHY, RECESSIVE INTERMEDIATE C. Identifiers: Orphanet 369867, MedGen C3809309, MONDO:0014154, OMIM 615376.

Allele frequency attached by ClinVar (database versions not stated): TOPMed 0.00002; gnomAD 0.00001; gnomAD exomes 0.00002.
gnomAD v4.1: 54 of 1,597,142 alleles (0.0034%); highest among the groups gnomAD compares: Middle Eastern, 0.018%; no homozygotes.

Submissions (2):

Labcorp Genetics (formerly Invitae), Labcorp
Classification: Likely benign for Neuronopathy, distal hereditary motor, autosomal recessive 4; Charcot-Marie-Tooth disease recessive intermediate C. Last evaluated: 2024-09-27. Review status: criteria provided, single submitter. Criteria: Invitae Variant Classification Sherloc (09022015). Collection method: clinical testing. Allele origin: germline.

PreventionGenetics, part of Exact Sciences
Classification: Likely benign for PLEKHG5-related condition. Last evaluated: 2020-05-12. Review status: no assertion criteria provided. Collection method: clinical testing. Allele origin: germline. Not counted in ClinVar's aggregate classification.
Comment: This variant is classified as likely benign based on ACMG/AMP sequence variant interpretation guidelines (Richards et al. 2015 PMID: 25741868, with internal and published modifications).

NM_020631.6(PLEKHG5):c.2916C>G (p.Pro972=)

Gene: PLEKHG5 (pleckstrin homology and RhoGEF domain containing G5; minus strand). Cytogenetic location: 1p36.31.
Variant type: single nucleotide variant.
Coding change: c.2916C>G on transcript NM_020631.6 (MANE Select); coding-DNA position 2916, C replaced by G.
Protein change: p.Pro972=; no amino-acid change (proline 972 retained).
Molecular consequence: synonymous variant. On other transcripts: intron variant (1).
Genome position (GRCh38, 1-based): chr1:6,467,920, G>C on the plus strand (C>G on the coding strand, the complement: PLEKHG5 is on the minus strand). VCF-style: chr1-6467920-G-C. GRCh37 (hg19) VCF-style: chr1-6527980-G-C.
Other names: c.2738-22C>G (NM_001265594.3); c.3027C>G, p.Pro1009= (NM_001042663.3, NM_001265592.2); c.2916C>G, p.Pro972= (NM_001042664.2, NM_001042665.2, NM_198681.4); c.3123C>G, p.Pro1041= (NM_001265593.2).
Identifiers: ClinVar variation 774014 (VCV000774014.13), dbSNP rs923660925, ClinGen allele CA17233287.